The following is an entry in ClinVar:

ClinVar aggregate classification (germline): Uncertain significance (1 of 4 stars; one submission).

Conditions:
Rhabdoid tumor predisposition syndrome 2 (RTPS2). Identifiers: Orphanet 231108, Orphanet 69077, MedGen C2750074, MONDO:0013224, OMIM 613325.

Submission:

Labcorp Genetics (formerly Invitae), Labcorp
Classification: Uncertain significance for Rhabdoid tumor predisposition syndrome 2. Last evaluated: 2023-07-08. Review status: criteria provided, single submitter. Criteria: Invitae Variant Classification Sherloc (09022015). Collection method: clinical testing. Allele origin: germline.
Comment: In summary, the available evidence is currently insufficient to determine the role of this variant in disease. Therefore, it has been classified as a Variant of Uncertain Significance. Advanced modeling of protein sequence and biophysical properties (such as structural, functional, and spatial information, amino acid conservation, physicochemical variation, residue mobility, and thermodynamic stability) performed at Invitae indicates that this missense variant is not expected to disrupt SMARCA4 protein function. ClinVar contains an entry for this variant (Variation ID: 581530). This variant has not been reported in the literature in individuals affected with SMARCA4-related conditions. This variant is not present in population databases (gnomAD no frequency). This sequence change replaces leucine, which is neutral and non-polar, with methionine, which is neutral and non-polar, at codon 1641 of the SMARCA4 protein (p.Leu1641Met).

NM_003072.5(SMARCA4):c.4825C>A (p.Leu1609Met)

Gene: SMARCA4 (SWI/SNF related BAF chromatin remodeling complex subunit ATPase 4; plus strand). Cytogenetic location: 19p13.2.
Variant type: single nucleotide variant.
Coding change: c.4825C>A on transcript NM_003072.5 (MANE Select); coding-DNA position 4825, C replaced by A.
Protein change: p.Leu1609Met; replaces leucine 1609 with methionine.
Molecular consequence: missense variant. On other transcripts: non-coding transcript variant (1).
Genome position (GRCh38, 1-based): chr19:11,060,101, C>A. VCF-style: chr19-11060101-C-A. GRCh37 (hg19) VCF-style: chr19-11170777-C-A.
Other names: c.4825C>A, p.Leu1609Met (NM_001128844.3); c.4735C>A, p.Leu1579Met (NM_001128845.2); c.4732C>A, p.Leu1578Met (NM_001128846.2); c.4726C>A, p.Leu1576Met (NM_001128847.4, NM_001374457.1); c.4723C>A, p.Leu1575Met (NM_001128848.2); c.4921C>A, p.Leu1641Met (NM_001128849.3, NM_001387283.1); short protein forms L1641M, L1576M, L1609M, L1578M, L1575M, L1579M.
Identifiers: ClinVar variation 581530 (VCV000581530.8), dbSNP rs878854232, ClinGen allele CA404080562.